The following is an entry in ClinVar:

NM_001393769.1(MED12L):c.205-2A>T

Gene: MED12L (mediator complex subunit 12L; plus strand). Cytogenetic location: 3q25.1.
Variant type: single nucleotide variant.
Coding change: c.205-2A>T on transcript NM_001393769.1 (MANE Select); the canonical splice acceptor site of the intron before coding-DNA position 205, A replaced by T.
Molecular consequence: splice acceptor variant.
Genome position (GRCh38, 1-based): chr3:151,122,781, A>T. VCF-style: chr3-151122781-A-T. GRCh37 (hg19) VCF-style: chr3-150840568-A-T.
Other names: c.205-2A>T (NM_053002.6).
Identifiers: ClinVar variation 3896327 (VCV003896327.2).

ClinVar aggregate classification (germline): Likely pathogenic (1 of 4 stars; one submission).

Conditions:
Nizon-Isidor syndrome. Identifiers: MedGen C5394350, MONDO:0030030, OMIM 618872.

Submission:

Women's Health and Genetics/Laboratory Corporation of America, LabCorp
Classification: Likely pathogenic for Nizon-Isidor syndrome. Last evaluated: 2025-04-11. Review status: criteria provided, single submitter. Criteria: LabCorp Variant Classification Summary - May 2015. Collection method: clinical testing. Allele origin: germline.
Comment: Variant summary: MED12L c.205-2A>T is located in a canonical splice-site and is predicted to affect mRNA splicing resulting in a significantly altered protein due to either exon skipping, shortening, or inclusion of intronic material. Variants that disrupt the consensus splice site are a relatively common cause of aberrant splicing and loss of MED12L function. Several computational tools predict a significant impact on normal splicing: Four predict the variant abolishes a canonical 3' acceptor site. However, these predictions have yet to be confirmed by functional studies. The frequency data for this variant in gnomAD is considered unreliable, as metrics indicate poor data quality at this position. To our knowledge, no occurrence of c.205-2A>T in individuals affected with Nizon-Isidor Syndrome and no experimental evidence demonstrating its impact on protein function have been reported. No submitters have cited clinical-significance assessments for this variant to ClinVar. Based on the evidence outlined above, the variant was classified as likely pathogenic.